The following is an entry in ClinVar:

NM_182931.3(KMT2E):c.3418A>G (p.Asn1140Asp)

Gene: KMT2E (lysine methyltransferase 2E (inactive); plus strand). Cytogenetic location: 7q22.3.
Variant type: single nucleotide variant.
Coding change: c.3418A>G on transcript NM_182931.3 (MANE Select); coding-DNA position 3418, A replaced by G.
Protein change: p.Asn1140Asp; replaces asparagine 1140 with aspartic acid.
Molecular consequence: missense variant.
Genome position (GRCh38, 1-based): chr7:105,107,875, A>G. VCF-style: chr7-105107875-A-G. GRCh37 (hg19) VCF-style: chr7-104748322-A-G.
Other names: c.3418A>G, p.Asn1140Asp (NM_001410908.1, NM_018682.4); short protein forms N1140D.
Identifiers: ClinVar variation 2338291 (VCV002338291.4), dbSNP rs757560392, ClinGen allele CA4424466.
Genomic context (GRCh38, chr7:105,107,875, plus strand): 5'-ACTGTGTTTTGTACTTCCGAAGATGGGCTTGTATCTGGTTTCGGACGGACTGTTAATGAC[A>G]ATTTGATCGACGGGAATTGCACACCCCAGAATCCACCACAAAAGAAAAAGGTTACAAATT-3'
Protein context (NP_891847.1, residues 1130-1150): VSGFGRTVND[Asn1140Asp]LIDGNCTPQN

ClinVar aggregate classification (germline): Uncertain significance. Review status: criteria provided, multiple submitters, no conflicts (2 of 4 stars). 2 submissions from 2 submitters: Uncertain significance (2). Last evaluated 2024-11-05.

Conditions:
Inborn genetic diseases. Identifiers: MedGen C0950123, MeSH D030342.

Allele frequency attached by ClinVar (database versions not stated): TOPMed below 0.00001; ExAC 0.00001; gnomAD 0.00001; gnomAD exomes 0.00001.
gnomAD v4.1: 23 of 1,613,722 alleles (0.0014%); highest among the groups gnomAD compares: Middle Eastern, 0.016%; no homozygotes.

Submissions (2):

Labcorp Genetics (formerly Invitae), Labcorp
Classification: Uncertain significance. Last evaluated: 2024-11-05. Review status: criteria provided, single submitter. Criteria: Invitae Variant Classification Sherloc (09022015). Collection method: clinical testing. Allele origin: germline.
Comment: This sequence change replaces asparagine, which is neutral and polar, with aspartic acid, which is acidic and polar, at codon 1140 of the KMT2E protein (p.Asn1140Asp). This variant is present in population databases (rs757560392, gnomAD 0.007%). This variant has not been reported in the literature in individuals affected with KMT2E-related conditions. ClinVar contains an entry for this variant (Variation ID: 2338291). Invitae Evidence Modeling of protein sequence and biophysical properties (such as structural, functional, and spatial information, amino acid conservation, physicochemical variation, residue mobility, and thermodynamic stability) indicates that this missense variant is not expected to disrupt KMT2E protein function with a negative predictive value of 80%. In summary, the available evidence is currently insufficient to determine the role of this variant in disease. Therefore, it has been classified as a Variant of Uncertain Significance.

Ambry Genetics
Classification: Uncertain significance for Inborn genetic diseases. Last evaluated: 2022-12-21. Review status: criteria provided, single submitter. Criteria: Ambry Variant Classification Scheme 2023. Collection method: clinical testing. Allele origin: germline.